The following is an entry in ClinVar:

ClinVar aggregate classification (germline): Benign/Likely benign. Review status: criteria provided, multiple submitters, no conflicts (2 of 4 stars). 2 submissions from 2 submitters: Benign (1); Likely benign (1). Last evaluated 2024-08-01.

Conditions:
BAP1-related tumor predisposition syndrome (TPDS1). Also called: Tumor susceptibility linked to germline BAP1 mutations; BAP1 tumor predisposition syndrome; COMMON Syndrome; TUMOR PREDISPOSITION SYNDROME 1. Identifiers: Orphanet 289539, MedGen C3280492, MONDO:0013692, OMIM 614327.

Submissions (2):

Labcorp Genetics (formerly Invitae), Labcorp
Classification: Likely benign for BAP1-related tumor predisposition syndrome. Last evaluated: 2024-08-01. Review status: criteria provided, single submitter. Criteria: Invitae Variant Classification Sherloc (09022015). Collection method: clinical testing. Allele origin: germline.

Myriad Genetics, Inc.
Classification: Benign for BAP1-related tumor predisposition syndrome. Last evaluated: 2024-07-16. Review status: criteria provided, single submitter. Criteria: Myriad Autosomal Dominant, Autosomal Recessive and X-Linked Classification Criteria (2023). Collection method: clinical testing. Allele origin: unknown.
Comment: This variant is considered benign. This variant is a silent/synonymous amino acid change and it is not expected to impact splicing.

NM_004656.4(BAP1):c.1623T>C (p.Val541=)

Gene: BAP1 (BRCA1 associated deubiquitinase 1; minus strand). Cytogenetic location: 3p21.1.
Variant type: single nucleotide variant.
Coding change: c.1623T>C on transcript NM_004656.4 (MANE Select); coding-DNA position 1623, T replaced by C.
Protein change: p.Val541=; no amino-acid change (valine 541 retained).
Molecular consequence: synonymous variant.
Genome position (GRCh38, 1-based): chr3:52,403,522, A>G on the plus strand (T>C on the coding strand, the complement: BAP1 is on the minus strand). VCF-style: chr3-52403522-A-G. GRCh37 (hg19) VCF-style: chr3-52437538-A-G.
Other names: c.1569T>C, p.Val523= (NM_001410772.1).
Identifiers: ClinVar variation 3379163 (VCV003379163.3).